The following is an entry in ClinVar:

ClinVar aggregate classification (germline): Uncertain significance (1 of 4 stars; one submission).

Allele frequency attached by ClinVar (database versions not stated): gnomAD exomes below 0.00001.
gnomAD v4.1: 2 of 1,613,908 alleles (0.00012%); highest among the groups gnomAD compares: Non-Finnish European, 0.00017%; no homozygotes.

Submission:

Labcorp Genetics (formerly Invitae), Labcorp
Classification: Uncertain significance. Last evaluated: 2022-12-06. Review status: criteria provided, single submitter. Criteria: Invitae Variant Classification Sherloc (09022015). Collection method: clinical testing. Allele origin: germline.
Comment: In summary, the available evidence is currently insufficient to determine the role of this variant in disease. Therefore, it has been classified as a Variant of Uncertain Significance. Advanced modeling of protein sequence and biophysical properties (such as structural, functional, and spatial information, amino acid conservation, physicochemical variation, residue mobility, and thermodynamic stability) performed at Invitae indicates that this missense variant is expected to disrupt EIF2B5 protein function. This missense change has been observed in individual(s) with leukoencephalopathy with vanishing white matter (PMID: 33432707). This variant is not present in population databases (gnomAD no frequency). This sequence change replaces valine, which is neutral and non-polar, with methionine, which is neutral and non-polar, at codon 437 of the EIF2B5 protein (p.Val437Met).

Literature cited by the submitters: PubMed 33432707.

NM_003907.3(EIF2B5):c.1309G>A (p.Val437Met)

Gene: EIF2B5 (eukaryotic translation initiation factor 2B subunit epsilon; plus strand). Cytogenetic location: 3q27.1.
Variant type: single nucleotide variant.
Coding change: c.1309G>A on transcript NM_003907.3 (MANE Select); coding-DNA position 1309, G replaced by A.
Protein change: p.Val437Met; replaces valine 437 with methionine.
Molecular consequence: missense variant.
Genome position (GRCh38, 1-based): chr3:184,142,243, G>A. VCF-style: chr3-184142243-G-A. GRCh37 (hg19) VCF-style: chr3-183860031-G-A.
Other names: short protein forms V437M.
Identifiers: ClinVar variation 1973418 (VCV001973418.5), dbSNP rs1713669648, ClinGen allele CA355389278.
Genomic context (GRCh38, chr3:184,142,243, plus strand): 5'-CAGGATGCACTTTTCCTCCACACCCTAATGGTTCTGTGTTTTTTTTCCCCTTAGGTGGTC[G>A]TGGGCCCAAATATCACGCTGCCTGAGGGCTCGGTGATCTCTTTGCACCCTCCAGATGCAG-3'
Protein context (NP_003898.2, residues 427-447): PRSVLTSQVV[Val437Met]GPNITLPEGS